The following is an entry in ClinVar:

NM_000186.4(CFH):c.2540A>T (p.Glu847Val)

Gene: CFH (complement factor H; plus strand). Cytogenetic location: 1q31.3.
Variant type: single nucleotide variant.
Coding change: c.2540A>T on transcript NM_000186.4 (MANE Select); coding-DNA position 2540, A replaced by T.
Protein change: p.Glu847Val; replaces glutamic acid 847 with valine.
Molecular consequence: missense variant.
Genome position (GRCh38, 1-based): chr1:196,736,950, A>T. VCF-style: chr1-196736950-A-T. GRCh37 (hg19) VCF-style: chr1-196706080-A-T.
Other names: NC_000001.10:g.196706080A>T; short protein forms E847V.
Identifiers: ClinVar variation 4291486 (VCV004291486.2).
Genomic context (GRCh38, chr1:196,736,950, plus strand): 5'-TGAATTATCGGGATGGAGAAAAAGTATCTGTTCTTTGCCAAGAAAATTATCTAATTCAGG[A>T]AGGAGAAGAAATTACATGCAAAGATGGAAGATGGCAGTCAATACCACTCTGTGTTGGTCA-3'
Protein context (NP_000177.2, residues 837-857): VLCQENYLIQ[Glu847Val]GEEITCKDGR

ClinVar aggregate classification (germline): Uncertain significance (1 of 4 stars; one submission).

Conditions:
Atypical hemolytic-uremic syndrome. Identifiers: Orphanet 2134, MedGen C2931788, MONDO:0016244.

Submissions (2):

Genomenon, Inc
Classification: Uncertain significance for Atypical hemolytic-uremic syndrome. Last evaluated: 2025-10-02. Review status: criteria provided, single submitter. Criteria: Genomenon Sequence Variant Interpretation Standards - Updated. Collection method: curation. Allele origin: germline. Affected: yes.
Comment: CFH p.Glu847Val (c.2540A>T) is a missense variant that changes the amino acid at residue 847 from Glutamic acid to Valine. This variant has been observed in at least one proband affected with atypical hemolytic-uremic syndrome (PMID:23431077). It is absent or not present at a significant frequency in gnomAD. In conclusion, we classify CFH p.Glu847Val (c.2540A>T) as a variant of uncertain significance.

Dr. Peter K. Rogan Lab, Western University
No classification provided (evidence only). Condition: Familial cancer of breast. Review status: no classification provided. Collection method: in vitro. Allele origin: not applicable. Functional consequence: retained intron. Not counted in ClinVar's aggregate classification.

Literature cited by the submitters: PubMed 23431077 (cited by Genomenon, Inc).